The following is an entry in ClinVar:

NM_033100.4(CDHR1):c.2185A>G (p.Lys729Glu)

Gene: CDHR1 (cadherin related family member 1; plus strand). Cytogenetic location: 10q23.1.
Variant type: single nucleotide variant.
Coding change: c.2185A>G on transcript NM_033100.4 (MANE Select); coding-DNA position 2185, A replaced by G.
Protein change: p.Lys729Glu; replaces lysine 729 with glutamic acid.
Molecular consequence: missense variant. On other transcripts: intron variant (1).
Genome position (GRCh38, 1-based): chr10:84,214,226, A>G. VCF-style: chr10-84214226-A-G. GRCh37 (hg19) VCF-style: chr10-85973982-A-G.
Other names: c.2040+878A>G (NM_001171971.3); short protein forms K729E.
Identifiers: ClinVar variation 1974725 (VCV001974725.5), dbSNP rs2492549005, ClinGen allele CA377379446.

ClinVar aggregate classification (germline): Uncertain significance. Review status: criteria provided, multiple submitters, no conflicts (2 of 4 stars). 2 submissions from 2 submitters: Uncertain significance (2). Last evaluated 2023-02-15.

Allele frequency attached by ClinVar (database versions not stated): gnomAD exomes 0.00001.
gnomAD v4.1: 4 of 1,614,092 alleles (0.00025%); highest among the groups gnomAD compares: Admixed American, 0.0033%; no homozygotes.

Submissions (2):

Blueprint Genetics
Classification: Uncertain significance. Last evaluated: 2023-02-15. Review status: criteria provided, single submitter. Criteria: ACMG Guidelines, 2015. Collection method: clinical testing. Allele origin: germline.

Labcorp Genetics (formerly Invitae), Labcorp
Classification: Uncertain significance. Last evaluated: 2022-10-17. Review status: criteria provided, single submitter. Criteria: Invitae Variant Classification Sherloc (09022015). Collection method: clinical testing. Allele origin: germline.
Comment: This variant has not been reported in the literature in individuals affected with CDHR1-related conditions. This variant is not present in population databases (gnomAD no frequency). This sequence change replaces lysine, which is basic and polar, with glutamic acid, which is acidic and polar, at codon 729 of the CDHR1 protein (p.Lys729Glu). Advanced modeling of protein sequence and biophysical properties (such as structural, functional, and spatial information, amino acid conservation, physicochemical variation, residue mobility, and thermodynamic stability) performed at Invitae indicates that this missense variant is not expected to disrupt CDHR1 protein function. In summary, the available evidence is currently insufficient to determine the role of this variant in disease. Therefore, it has been classified as a Variant of Uncertain Significance.